The following is an entry in ClinVar:

ClinVar aggregate classification (germline): Benign (0 of 4 stars; one submission).

Conditions:
TFE3-related disorder. Also called: TFE3-related condition.

gnomAD v4.1: 557,159 of 1,207,205 alleles (46%); highest among the groups gnomAD compares: Middle Eastern, 57%; 93,853 homozygotes.

Submission:

PreventionGenetics, part of Exact Sciences
Classification: Benign for TFE3-related condition. Last evaluated: 2024-08-15. Review status: no assertion criteria provided. Collection method: clinical testing. Allele origin: germline.
Comment: This variant is classified as benign based on ACMG/AMP sequence variant interpretation guidelines (Richards et al. 2015 PMID: 25741868, with internal and published modifications).

NM_006521.6(TFE3):c.1323A>G (p.Val441=)

Gene: TFE3 (transcription factor binding to IGHM enhancer 3; minus strand). Cytogenetic location: Xp11.23.
Variant type: single nucleotide variant.
Coding change: c.1323A>G on transcript NM_006521.6 (MANE Select); coding-DNA position 1323, A replaced by G.
Protein change: p.Val441=; no amino-acid change (valine 441 retained).
Molecular consequence: synonymous variant.
Genome position (GRCh38, 1-based): chrX:49,030,563, T>C on the plus strand (A>G on the coding strand, the complement: TFE3 is on the minus strand). VCF-style: chrX-49030563-T-C. GRCh37 (hg19) VCF-style: chrX-48888074-T-C.
Other names: c.1008A>G, p.Val336= (NM_001282142.2).
Identifiers: ClinVar variation 3348548 (VCV003348548.1).